The following is an entry in ClinVar:

ClinVar aggregate classification (germline): Conflicting classifications of pathogenicity. Review status: criteria provided, conflicting classifications (1 of 4 stars). 2 submissions from 2 submitters: Likely pathogenic (1); Uncertain significance (1). Last evaluated 2025-06-02.

Submissions (2):

Athena Diagnostics
Classification: Likely pathogenic. Last evaluated: 2025-06-02. Review status: criteria provided, single submitter. Criteria: Athena Diagnostics Criteria. Collection method: clinical testing. Allele origin: unknown.
Comment: This variant has not been reported in large, multi-ethnic general populations. This variant has been identified in at least one individual with clinical features associated with this gene. Polyphen and MutationTaster predict this amino acid change may be damaging to the protein. The variant is located in a region that is considered important for protein function and/or structure.

GeneDx
Classification: Uncertain significance. Last evaluated: 2021-01-12. Review status: criteria provided, single submitter. Criteria: GeneDx Variant Classification Process June 2021. Collection method: clinical testing. Allele origin: germline. Affected: yes.
Comment: Not observed in large population cohorts (Lek et al., 2016); In silico analysis supports that this missense variant has a deleterious effect on protein structure/function; Has not been previously published as pathogenic or benign to our knowledge

NM_080680.3(COL11A2):c.3764G>A (p.Gly1255Asp)

Gene: COL11A2 (collagen type XI alpha 2 chain; minus strand). Cytogenetic location: 6p21.32.
Variant type: single nucleotide variant.
Coding change: c.3764G>A on transcript NM_080680.3 (MANE Select); coding-DNA position 3764, G replaced by A.
Protein change: p.Gly1255Asp; replaces glycine 1255 with aspartic acid.
Molecular consequence: missense variant.
Genome position (GRCh38, 1-based): chr6:33,169,417, C>T on the plus strand (G>A on the coding strand, the complement: COL11A2 is on the minus strand). VCF-style: chr6-33169417-C-T. GRCh37 (hg19) VCF-style: chr6-33137194-C-T.
Other names: c.3443G>A, p.Gly1148Asp (NM_080679.3); c.3506G>A, p.Gly1169Asp (NM_080681.3); short protein forms G1148D, G1169D, G1255D.
Identifiers: ClinVar variation 1187753 (VCV001187753.3), dbSNP rs2150534777, ClinGen allele CA363627626.